The following is an entry in ClinVar:

NM_020822.3(KCNT1):c.2243+6T>C

Gene: KCNT1 (potassium sodium-activated channel subfamily T member 1; plus strand). Cytogenetic location: 9q34.3.
Variant type: single nucleotide variant.
Coding change: c.2243+6T>C on transcript NM_020822.3 (MANE Select); 6 bases into the intron after coding-DNA position 2243, T replaced by C.
Molecular consequence: intron variant.
Genome position (GRCh38, 1-based): chr9:135,772,955, T>C. VCF-style: chr9-135772955-T-C. GRCh37 (hg19) VCF-style: chr9-138664801-T-C.
Other names: c.2108+6T>C (NM_001272003.2).
Identifiers: ClinVar variation 1913086 (VCV001913086.5), dbSNP rs1588368223, ClinGen allele CA2580080083.
Genomic context (GRCh38, chr9:135,772,955, plus strand): 5'-ACCAGTCGGAGGATGAGGTGACGCCGTCGGACGACGAGGGGCTCTCCGTGGTAGAGTGAG[T>C]GCTGCCTTGGAGACGGCTCCCAGTGGGGGGAGGAGCCGCCCATGAGTGCGGGGGATGGGT-3'

ClinVar aggregate classification (germline): Uncertain significance (1 of 4 stars; one submission).

Conditions:
Autosomal dominant nocturnal frontal lobe epilepsy 5. Also called: CILIARY DYSKINESIA, PRIMARY, 28, WITHOUT SITUS INVERSUS; Epilepsy, nocturnal frontal lobe, 5; KCNT1-Related Epilepsy; CILIARY DYSKINESIA, PRIMARY, 28, WITH SITUS INVERSUS. Identifiers: Orphanet 98784, MedGen C3554306, MONDO:0014002, OMIM 615005.
Developmental and epileptic encephalopathy, 14 (DEE14). Also called: Early infantile epileptic encephalopathy 14. Identifiers: Orphanet 293181, MedGen C3554195, MONDO:0013989, OMIM 614959.

Submission:

Labcorp Genetics (formerly Invitae), Labcorp
Classification: Uncertain significance for Autosomal dominant nocturnal frontal lobe epilepsy 5; Developmental and epileptic encephalopathy, 14. Last evaluated: 2022-10-14. Review status: criteria provided, single submitter. Criteria: Invitae Variant Classification Sherloc (09022015). Collection method: clinical testing. Allele origin: germline.
Comment: In summary, the available evidence is currently insufficient to determine the role of this variant in disease. Therefore, it has been classified as a Variant of Uncertain Significance. Variants that disrupt the consensus splice site are a relatively common cause of aberrant splicing (PMID: 17576681, 9536098). Algorithms developed to predict the effect of sequence changes on RNA splicing suggest that this variant may disrupt the consensus splice site. This variant has not been reported in the literature in individuals affected with KCNT1-related conditions. This variant is not present in population databases (gnomAD no frequency). This sequence change falls in intron 19 of the KCNT1 gene. It does not directly change the encoded amino acid sequence of the KCNT1 protein. It affects a nucleotide within the consensus splice site.

Literature cited by the submitters: PubMed 17576681; PubMed 9536098.